The following is an entry in ClinVar:

NM_005744.5(ARIH1):c.416A>G (p.Asn139Ser)

Gene: ARIH1 (ariadne RBR E3 ubiquitin protein ligase 1; plus strand). Cytogenetic location: 15q24.1.
Variant type: single nucleotide variant.
Coding change: c.416A>G on transcript NM_005744.5 (MANE Select); coding-DNA position 416, A replaced by G.
Protein change: p.Asn139Ser; replaces asparagine 139 with serine.
Molecular consequence: missense variant.
Genome position (GRCh38, 1-based): chr15:72,518,107, A>G. VCF-style: chr15-72518107-A-G. GRCh37 (hg19) VCF-style: chr15-72810448-A-G.
Other names: c.416A>G (NM_005744.3); short protein forms N139S.
Identifiers: ClinVar variation 1921623 (VCV001921623.6), dbSNP rs147408829, ClinGen allele CA273265289.

ClinVar aggregate classification (germline): Uncertain significance. Review status: criteria provided, multiple submitters, no conflicts (2 of 4 stars). 2 submissions from 2 submitters: Uncertain significance (2). Last evaluated 2026-01-17.

Allele frequency attached by ClinVar (database versions not stated): gnomAD 0.00003; gnomAD exomes 0.00004; TOPMed 0.00004; ESP Exome Variant Server 0.00008.
gnomAD v4.1: 54 of 1,611,752 alleles (0.0034%); highest among the groups gnomAD compares: African/African-American, 0.008%; no homozygotes.

Submissions (2):

Labcorp Genetics (formerly Invitae), Labcorp
Classification: Uncertain significance. Last evaluated: 2026-01-17. Review status: criteria provided, single submitter. Criteria: Invitae Variant Classification Sherloc (09022015). Collection method: clinical testing. Allele origin: germline.
Comment: This sequence change replaces asparagine, which is neutral and polar, with serine, which is neutral and polar, at codon 139 of the ARIH1 protein (p.Asn139Ser). This variant is present in population databases (rs147408829, gnomAD 0.02%). This variant has not been reported in the literature in individuals affected with ARIH1-related conditions. ClinVar contains an entry for this variant (Variation ID: 1921623). An algorithm developed to predict the effect of missense changes on protein structure and function (PolyPhen-2) suggests that this variant is likely to be tolerated. In summary, the available evidence is currently insufficient to determine the role of this variant in disease. Therefore, it has been classified as a Variant of Uncertain Significance.

Ambry Genetics
Classification: Uncertain significance. Last evaluated: 2025-03-18. Review status: criteria provided, single submitter. Criteria: Ambry Variant Classification Scheme 2023. Collection method: clinical testing. Allele origin: germline.